The following is an entry in ClinVar:

NM_018062.4(FANCL):c.136T>A (p.Leu46Ile)

Gene: FANCL (FA complementation group L; minus strand). Cytogenetic location: 2p16.1.
Variant type: single nucleotide variant.
Coding change: c.136T>A on transcript NM_018062.4 (MANE Select); coding-DNA position 136, T replaced by A.
Protein change: p.Leu46Ile; replaces leucine 46 with isoleucine.
Molecular consequence: missense variant.
Genome position (GRCh38, 1-based): chr2:58,232,073, A>T on the plus strand (T>A on the coding strand, the complement: FANCL is on the minus strand). VCF-style: chr2-58232073-A-T. GRCh37 (hg19) VCF-style: chr2-58459208-A-T.
Other names: c.136T>A, p.Leu46Ile (NM_001114636.2, NM_001374615.1, NM_001410792.1); short protein forms L46I.
Identifiers: ClinVar variation 1374969 (VCV001374969.8), dbSNP rs781357185, ClinGen allele CA347034932.

ClinVar aggregate classification (germline): Uncertain significance (1 of 4 stars; one submission).

Conditions:
Fanconi anemia (FA). Also called: Fanconi's anemia. Identifiers: Orphanet 84, MedGen C0015625, MeSH D005199, MONDO:0019391.

Submission:

Labcorp Genetics (formerly Invitae), Labcorp
Classification: Uncertain significance for Fanconi anemia. Last evaluated: 2020-11-10. Review status: criteria provided, single submitter. Criteria: Invitae Variant Classification Sherloc (09022015). Collection method: clinical testing. Allele origin: germline.
Comment: This sequence change replaces leucine with isoleucine at codon 46 of the FANCL protein (p.Leu46Ile). The leucine residue is moderately conserved and there is a small physicochemical difference between leucine and isoleucine. In summary, the available evidence is currently insufficient to determine the role of this variant in disease. Therefore, it has been classified as a Variant of Uncertain Significance. Algorithms developed to predict the effect of missense changes on protein structure and function (SIFT, PolyPhen-2, Align-GVGD) all suggest that this variant is likely to be tolerated, but these predictions have not been confirmed by published functional studies and their clinical significance is uncertain. This variant has not been reported in the literature in individuals with FANCL-related conditions. This variant is not present in population databases (ExAC no frequency).